The following is an entry in ClinVar:

ClinVar aggregate classification (germline): Uncertain significance (1 of 4 stars; one submission).

Conditions:
Tuberous sclerosis 2 (TSC2). Identifiers: Orphanet 805, MedGen C1860707, MONDO:0013199, OMIM 613254.

Submission:

Labcorp Genetics (formerly Invitae), Labcorp
Classification: Uncertain significance for Tuberous sclerosis 2. Last evaluated: 2020-02-10. Review status: criteria provided, single submitter. Criteria: Invitae Variant Classification Sherloc (09022015). Collection method: clinical testing. Allele origin: germline.
Comment: Algorithms developed to predict the effect of missense changes on protein structure and function are either unavailable or do not agree on the potential impact of this missense change (SIFT: "Deleterious"; PolyPhen-2: "Possibly Damaging"; Align-GVGD: "Class C0"). In summary, the available evidence is currently insufficient to determine the role of this variant in disease. Therefore, it has been classified as a Variant of Uncertain Significance. This variant has not been reported in the literature in individuals with TSC2-related conditions. This sequence change replaces isoleucine with asparagine at codon 818 of the TSC2 protein (p.Ile818Asn). The isoleucine residue is highly conserved and there is a large physicochemical difference between isoleucine and asparagine. This variant is not present in population databases (ExAC no frequency).

NM_000548.5(TSC2):c.2453T>A (p.Ile818Asn)

Gene: TSC2 (TSC complex subunit 2; plus strand). Cytogenetic location: 16p13.3.
Variant type: single nucleotide variant.
Coding change: c.2453T>A on transcript NM_000548.5 (MANE Select); coding-DNA position 2453, T replaced by A.
Protein change: p.Ile818Asn; replaces isoleucine 818 with asparagine.
Molecular consequence: missense variant.
Genome position (GRCh38, 1-based): chr16:2,074,297, T>A. VCF-style: chr16-2074297-T-A. GRCh37 (hg19) VCF-style: chr16-2124298-T-A.
Other names: c.2342T>A, p.Ile781Asn (NM_001318827.2); c.2306T>A, p.Ile769Asn (NM_001318829.2); c.1853T>A, p.Ile618Asn (NM_001318831.2); c.2486T>A, p.Ile829Asn (NM_001318832.2); c.2453T>A, p.Ile818Asn (NM_001363528.2, NM_001370404.1, NM_001370405.1 and 3 more transcripts); short protein forms I618N, I769N, I781N, I818N, I829N.
Identifiers: ClinVar variation 1051177 (VCV001051177.9), dbSNP rs2151352015, ClinGen allele CA394277472.